The following is an entry in ClinVar:

ClinVar aggregate classification (germline): Uncertain significance. Review status: criteria provided, multiple submitters, no conflicts (2 of 4 stars). 2 submissions from 2 submitters: Uncertain significance (2). Last evaluated 2025-10-08.

Submissions (2):

Women's Health and Genetics/Laboratory Corporation of America, LabCorp
Classification: Uncertain significance. Last evaluated: 2025-10-08. Review status: criteria provided, single submitter. Criteria: LabCorp Variant Classification Summary - May 2015. Collection method: clinical testing. Allele origin: germline.
Comment: Variant summary: KCNC3 c.12_23del12 (p.Val5_Ser8del) results in an in-frame deletion that is predicted to remove 4 amino acids from the encoded protein. The variant was absent in 62518 control chromosomes. The available data on variant occurrences in the general population are insufficient to allow any conclusion about variant significance. To our knowledge, no occurrence of c.12_23del12 in individuals affected with KCNC3-related conditions and no experimental evidence demonstrating its impact on protein function have been reported. No submitters have cited clinical-significance assessments for this variant to ClinVar. Based on the evidence outlined above, the variant was classified as uncertain significance.

GeneDx
Classification: Uncertain significance. Last evaluated: 2025-06-20. Review status: criteria provided, single submitter. Criteria: GeneDx Variant Classification Process June 2021. Collection method: clinical testing. Allele origin: germline. Affected: yes.
Comment: Not observed at significant frequency in large population cohorts (gnomAD); In-frame deletion of 4 amino acids in a non-repeat region; In silico analysis suggests that this variant does not alter protein structure/function; Has not been previously published as pathogenic or benign to our knowledge

NM_004977.3(KCNC3):c.12_23del (p.Val5_Ser8del)

Genes: KCNC3 (potassium voltage-gated channel subfamily C member 3; minus strand), LOC111811967 (Sharpr-MPRA regulatory region 11330/13384; plus strand). Cytogenetic location: 19q13.33.
Variant type: Deletion.
Coding change: c.12_23del on transcript NM_004977.3 (MANE Select); coding-DNA positions 12 to 23, 12 bases deleted (AGTCTGCGTCTC).
Protein change: p.Val5_Ser8del.
Genome position (GRCh38, 1-based): chr19:50,329,060-50,329,071, GAGACGCAGACT deleted on the plus strand (AGTCTGCGTCTC on the coding strand, the reverse complement: KCNC3 is on the minus strand); deleting any 12 consecutive bases within chr19:50,329,060-50,329,074 gives the same sequence; the c. name uses the placement nearest the transcript's 3' end. VCF-style (leftmost placement, unchanged base first): chr19-50329059-CGAGACGCAGACT-C. GRCh37 (hg19) VCF-style: chr19-50832316-CGAGACGCAGACT-C.
Other names: c.12_23del12 (NM_004977.3).
Identifiers: ClinVar variation 4538783 (VCV004538783.2).
Genomic context (GRCh38, chr19:50,329,059, plus strand): 5'-GGGCGGCTGCGGCGGTGGCGCCGGCTGCTGCTTGCTGGCCCCCTGGCGCCCGCGGAAGGA[CGAGACGCAGACT>C]GAGCTCAGCATTGGACGGGGGGCGGGGCGGGAGGGGCGGGGACGCAGGGGCGGGGACACG-3'